The following is an entry in ClinVar:

ClinVar aggregate classification (germline): Uncertain significance (1 of 4 stars; one submission).

Submission:

GeneDx
Classification: Uncertain significance. Last evaluated: 2019-05-07. Review status: criteria provided, single submitter. Criteria: GeneDx Variant Classification Process June 2021. Collection method: clinical testing. Allele origin: germline. Affected: yes.
Comment: Not observed in large population cohorts (Lek et al., 2016); In silico analysis, which includes protein predictors and evolutionary conservation, supports a deleterious effect; Has not been previously published as pathogenic or benign to our knowledge

NM_005027.4(PIK3R2):c.1680G>C (p.Met560Ile)

Gene: PIK3R2 (phosphoinositide-3-kinase regulatory subunit 2; plus strand). Cytogenetic location: 19p13.11.
Variant type: single nucleotide variant.
Coding change: c.1680G>C on transcript NM_005027.4 (MANE Select); coding-DNA position 1680, G replaced by C.
Protein change: p.Met560Ile; replaces methionine 560 with isoleucine.
Molecular consequence: missense variant. On other transcripts: non-coding transcript variant (2).
Genome position (GRCh38, 1-based): chr19:18,167,250, G>C. VCF-style: chr19-18167250-G-C. GRCh37 (hg19) VCF-style: chr19-18278060-G-C.
Other names: short protein forms M560I.
Identifiers: ClinVar variation 1302636 (VCV001302636.2), dbSNP rs2043819056, ClinGen allele CA404814196.
Genomic context (GRCh38, chr19:18,167,250, plus strand): 5'-GAAGCTGGAGCAGCAGCTGCGGGCCCAGGCCTCGGACAACAGAGAGATCGACAAGCGCAT[G>C]AACAGCCTCAAGCCGGACCTCATGCAGCTGCGCAAGATCCGAGACCAGTACCTCGTGTAA-3'
Protein context (NP_005018.2, residues 550-570): ASDNREIDKR[Met560Ile]NSLKPDLMQL